The following is an entry in ClinVar:

NM_002025.4(AFF2):c.1467A>T (p.Glu489Asp)

Gene: AFF2 (ALF transcription elongation factor 2; plus strand). Cytogenetic location: Xq28.
Variant type: single nucleotide variant.
Coding change: c.1467A>T on transcript NM_002025.4 (MANE Select); coding-DNA position 1467, A replaced by T.
Protein change: p.Glu489Asp; replaces glutamic acid 489 with aspartic acid.
Molecular consequence: missense variant.
Genome position (GRCh38, 1-based): chrX:148,953,649, A>T. VCF-style: chrX-148953649-A-T. GRCh37 (hg19) VCF-style: chrX-148035179-A-T.
Other names: c.1368A>T, p.Glu456Asp (NM_001169122.2); c.1437A>T, p.Glu479Asp (NM_001169123.2); c.1362A>T, p.Glu454Asp (NM_001169124.2); c.1350A>T, p.Glu450Asp (NM_001169125.2); c.390A>T, p.Glu130Asp (NM_001170628.1); short protein forms E450D, E130D, E479D, E489D, E456D, E454D.
Identifiers: ClinVar variation 1029402 (VCV001029402.25), dbSNP rs782268933, ClinGen allele CA414512160.

ClinVar aggregate classification (germline): Uncertain significance. Review status: criteria provided, multiple submitters, no conflicts (2 of 4 stars). 2 submissions from 2 submitters: Uncertain significance (2). Last evaluated 2022-06-01.

Conditions:
FRAXE. Also called: FRAXE intellectual disability; Intellectual disability, X-linked, FRAXE type; FRAXE Syndrome; Intellectual developmental disorder, X-linked 109; Fragile XE syndrome. Identifiers: Orphanet 100973, MedGen C0751157, MONDO:0010659, OMIM 309548. Disease mechanism: loss of function.

gnomAD v4.1: 6 of 1,211,571 alleles (0.0005%); highest among the groups gnomAD compares: Middle Eastern, 0.023%; no homozygotes.

Submissions (2):

CeGaT Center for Human Genetics Tuebingen
Classification: Uncertain significance. Last evaluated: 2022-06-01. Review status: criteria provided, single submitter. Criteria: CeGaT Center For Human Genetics Tuebingen Variant Classification Criteria Version 2. Collection method: clinical testing. Allele origin: germline. Affected: yes. Observed: 1 variant allele.
Comment: AFF2: PM2

Baylor Genetics
Classification: Uncertain significance for FRAXE. Last evaluated: 2020-11-16. Review status: criteria provided, single submitter. Criteria: ACMG Guidelines, 2015. Collection method: clinical testing. Allele origin: maternal. Affected: yes.
Comment: This variant was determined to be of uncertain significance according to ACMG Guidelines, 2015 [PMID:25741868].